The following is an entry in ClinVar:

ClinVar aggregate classification (germline): Likely benign. Review status: criteria provided, multiple submitters, no conflicts (2 of 4 stars). 4 submissions from 4 submitters: Likely benign (4). Last evaluated 2026-05-27.

Conditions:
Cardiovascular phenotype. Identifiers: MedGen CN230736.

Allele frequency attached by ClinVar (database versions not stated): ExAC 0.00014.
gnomAD v4.1: 72 of 1,549,512 alleles (0.0046%); highest among the groups gnomAD compares: South Asian, 0.0095%; no homozygotes.

Submissions (4):

Women's Health and Genetics/Laboratory Corporation of America, LabCorp
Classification: Likely benign. Last evaluated: 2026-05-27. Review status: criteria provided, single submitter. Criteria: LabCorp Variant Classification Summary - May 2015. Collection method: clinical testing. Allele origin: germline.

CeGaT Center for Human Genetics Tuebingen
Classification: Likely benign. Last evaluated: 2025-10-01. Review status: criteria provided, single submitter. Criteria: CeGaT Center For Human Genetics Tuebingen Variant Classification Criteria Version 2. Collection method: clinical testing. Allele origin: germline. Affected: yes. Observed: 1 variant allele.
Comment: ZNF469: BP4, BP7

Labcorp Genetics (formerly Invitae), Labcorp
Classification: Likely benign. Last evaluated: 2025-09-29. Review status: criteria provided, single submitter. Criteria: Invitae Variant Classification Sherloc (09022015). Collection method: clinical testing. Allele origin: germline.

Ambry Genetics
Classification: Likely benign for Cardiovascular phenotype. Last evaluated: 2020-11-19. Review status: criteria provided, single submitter. Criteria: Ambry Variant Classification Scheme 2023. Collection method: clinical testing. Allele origin: germline.

NM_001367624.2(ZNF469):c.8937C>T (p.Pro2979=)

Gene: ZNF469 (zinc finger protein 469; plus strand). Cytogenetic location: 16q24.2.
Variant type: single nucleotide variant.
Coding change: c.8937C>T on transcript NM_001367624.2 (MANE Select); coding-DNA position 8937, C replaced by T.
Protein change: p.Pro2979=; no amino-acid change (proline 2979 retained).
Molecular consequence: synonymous variant.
Genome position (GRCh38, 1-based): chr16:88,436,407, C>T. VCF-style: chr16-88436407-C-T. GRCh37 (hg19) VCF-style: chr16-88502815-C-T.
Other names: NM_001127464.1:c.8853C>T.
Identifiers: ClinVar variation 1764891 (VCV001764891.14), dbSNP rs777763779, ClinGen allele CA8225388.